The following is an entry in ClinVar:

ClinVar aggregate classification (germline): Uncertain significance. Review status: criteria provided, multiple submitters, no conflicts (2 of 4 stars). 2 submissions from 2 submitters: Uncertain significance (2). Last evaluated 2025-12-08.

Conditions:
POLR1B-related disorder. Also called: POLR1B-related condition.

gnomAD v4.1: 52 of 1,614,006 alleles (0.0032%); highest among the groups gnomAD compares: Admixed American, 0.0083%; no homozygotes.

Submissions (2):

PreventionGenetics, part of Exact Sciences
Classification: Uncertain significance for POLR1B-related condition. Last evaluated: 2025-12-08. Review status: criteria provided, single submitter. Criteria: ACMG Guidelines, 2015. Collection method: clinical testing. Allele origin: germline.
Comment: The POLR1B c.1979C>G variant is predicted to result in the amino acid substitution p.Pro660Arg. To our knowledge, this variant has not been reported in the literature. This variant is reported in 0.0085% of alleles in individuals of Latino descent in gnomAD, which is likely too common for an undocumented disease-causing variant. Although we suspect that this variant may be benign, at this time, the clinical significance of this variant is uncertain due to the absence of conclusive functional and genetic evidence.

Ambry Genetics
Classification: Uncertain significance. Last evaluated: 2025-08-24. Review status: criteria provided, single submitter. Criteria: Ambry Variant Classification Scheme 2023. Collection method: clinical testing. Allele origin: germline.

NM_019014.6(POLR1B):c.1865C>G (p.Pro622Arg)

Gene: POLR1B (RNA polymerase I subunit B; plus strand). Cytogenetic location: 2q14.1.
Variant type: single nucleotide variant.
Coding change: c.1865C>G on transcript NM_019014.6 (MANE Select); coding-DNA position 1865, C replaced by G.
Protein change: p.Pro622Arg; replaces proline 622 with arginine.
Molecular consequence: missense variant.
Genome position (GRCh38, 1-based): chr2:112,568,085, C>G. VCF-style: chr2-112568085-C-G. GRCh37 (hg19) VCF-style: chr2-113325662-C-G.
Other names: c.1979C>G (NM_001282772.1); c.1697C>G, p.Pro566Arg (NM_001137604.3); c.1979C>G, p.Pro660Arg (NM_001282772.2); c.1316C>G, p.Pro439Arg (NM_001282774.2); c.1232C>G, p.Pro411Arg (NM_001282776.2, NM_001371971.1); c.1448C>G, p.Pro483Arg (NM_001282777.2, NM_001282779.2, NM_001371970.1); c.2003C>G, p.Pro668Arg (NM_001371969.1); short protein forms P566R, P660R, P668R, P439R, P411R, P622R, P483R.
Identifiers: ClinVar variation 4141432 (VCV004141432.2).
Genomic context (GRCh38, chr2:112,568,085, plus strand): 5'-GAAAACCAAGTCTGTACCCAGGATTGTTCCTTTTTACCACTCCTTGTAGACTGGTACGGC[C>G]TGTGCAGAACTTAGCATTGGGCAAAGAAGAGCTAATTGGAACTATGGAACAGGTAAATAC-3'
Protein context (NP_061887.2, residues 612-632): LFTTPCRLVR[Pro622Arg]VQNLALGKEE